The following is an entry in ClinVar:

ClinVar aggregate classification (germline): Uncertain significance (1 of 4 stars; one submission).

Conditions:
Macrocephaly-developmental delay syndrome (MRT41). Also called: INTELLECTUAL DEVELOPMENTAL DISORDER, AUTOSOMAL RECESSIVE 41. Identifiers: Orphanet 397612, MedGen C3810225, MONDO:0014289, OMIM 615637.

Allele frequency attached by ClinVar (database versions not stated): gnomAD exomes 0.00005; TOPMed 0.00005; 1000 Genomes Project 30x 0.00094; ESP Exome Variant Server 0.00008; ExAC 0.00030; 1000 Genomes Project 0.00080; gnomAD 0.00003.

Submission:

Labcorp Genetics (formerly Invitae), Labcorp
Classification: Uncertain significance for Macrocephaly-developmental delay syndrome. Last evaluated: 2024-04-15. Review status: criteria provided, single submitter. Criteria: Invitae Variant Classification Sherloc (09022015). Collection method: clinical testing. Allele origin: germline.
Comment: This sequence change replaces valine, which is neutral and non-polar, with isoleucine, which is neutral and non-polar, at codon 310 of the KPTN protein (p.Val310Ile). This variant is present in population databases (rs375504032, gnomAD 0.1%). This variant has not been reported in the literature in individuals affected with KPTN-related conditions. ClinVar contains an entry for this variant (Variation ID: 2041113). Advanced modeling of protein sequence and biophysical properties (such as structural, functional, and spatial information, amino acid conservation, physicochemical variation, residue mobility, and thermodynamic stability) performed at Invitae indicates that this missense variant is not expected to disrupt KPTN protein function with a negative predictive value of 80%. In summary, the available evidence is currently insufficient to determine the role of this variant in disease. Therefore, it has been classified as a Variant of Uncertain Significance.

NM_007059.4(KPTN):c.928G>A (p.Val310Ile)

Gene: KPTN (kaptin, actin binding protein; minus strand). Cytogenetic location: 19q13.32.
Variant type: single nucleotide variant.
Coding change: c.928G>A on transcript NM_007059.4 (MANE Select); coding-DNA position 928, G replaced by A.
Protein change: p.Val310Ile; replaces valine 310 with isoleucine.
Molecular consequence: missense variant. On other transcripts: non-coding transcript variant (1).
Genome position (GRCh38, 1-based): chr19:47,476,874, C>T on the plus strand (G>A on the coding strand, the complement: KPTN is on the minus strand). VCF-style: chr19-47476874-C-T. GRCh37 (hg19) VCF-style: chr19-47980131-C-T.
Other names: c.760G>A, p.Val254Ile (NM_001291296.2); short protein forms V254I, V310I.
Identifiers: ClinVar variation 2041113 (VCV002041113.3), dbSNP rs375504032, ClinGen allele CA9540269.